The following is an entry in ClinVar:

ClinVar aggregate classification (germline): Uncertain significance. Review status: criteria provided, multiple submitters, no conflicts (2 of 4 stars). 5 submissions from 4 submitters: Uncertain significance (5). Last evaluated 2025-06-22.

Conditions:
ATR-related disorder. Also called: ATR-related condition.
Seckel syndrome 1 (SCKL1). Also called: MICROCEPHALIC PRIMORDIAL DWARFISM I. Identifiers: Orphanet 808, MedGen C4551474, MONDO:0008869, OMIM 210600.
Inborn genetic diseases. Identifiers: MedGen C0950123, MeSH D030342.
Familial cutaneous telangiectasia and oropharyngeal predisposition cancer syndrome. Identifiers: Orphanet 313846, MedGen C3281203, MONDO:0013806, OMIM 614564.

Allele frequency attached by ClinVar (database versions not stated): ExAC 0.00003; TOPMed 0.00004; gnomAD 0.00005; gnomAD exomes 0.00006 and 0.00010; ESP Exome Variant Server 0.00015.

Submissions (5):

Labcorp Genetics (formerly Invitae), Labcorp
Classification: Uncertain significance. Last evaluated: 2025-06-22. Review status: criteria provided, single submitter. Criteria: Invitae Variant Classification Sherloc (09022015). Collection method: clinical testing. Allele origin: germline.
Comment: This sequence change replaces leucine, which is neutral and non-polar, with phenylalanine, which is neutral and non-polar, at codon 81 of the ATR protein (p.Leu81Phe). This variant is present in population databases (rs147353060, gnomAD 0.01%). This variant has not been reported in the literature in individuals affected with ATR-related conditions. ClinVar contains an entry for this variant (Variation ID: 943897). An algorithm developed to predict the effect of missense changes on protein structure and function (PolyPhen-2) suggests that this variant is likely to be disruptive. In summary, the available evidence is currently insufficient to determine the role of this variant in disease. Therefore, it has been classified as a Variant of Uncertain Significance.

Ambry Genetics
Classification: Uncertain significance for Inborn genetic diseases. Last evaluated: 2025-02-01. Review status: criteria provided, single submitter. Criteria: Ambry Variant Classification Scheme 2023. Collection method: clinical testing. Allele origin: germline.

Genome-Nilou Lab
Classification: Uncertain significance for Seckel syndrome 1. Last evaluated: 2023-02-08. Review status: criteria provided, single submitter. Criteria: ACMG Guidelines, 2015. Collection method: clinical testing. Allele origin: germline.

Genome-Nilou Lab
Classification: Uncertain significance for Familial cutaneous telangiectasia and oropharyngeal predisposition cancer syndrome. Last evaluated: 2023-02-08. Review status: criteria provided, single submitter. Criteria: ACMG Guidelines, 2015. Collection method: clinical testing. Allele origin: germline.

PreventionGenetics, part of Exact Sciences
Classification: Uncertain significance for ATR-related condition. Last evaluated: 2022-10-20. Review status: criteria provided, single submitter. Criteria: ACMG Guidelines, 2015. Collection method: clinical testing. Allele origin: germline.
Comment: The ATR c.241C>T variant is predicted to result in the amino acid substitution p.Leu81Phe. To our knowledge, this variant has not been reported in the literature. This variant is reported in 0.012% of alleles in individuals of European (Non-Finnish) descent in gnomAD. At this time, the clinical significance of this variant is uncertain due to the absence of conclusive functional and genetic evidence.

NM_001184.4(ATR):c.241C>T (p.Leu81Phe)

Gene: ATR (ATR checkpoint kinase; minus strand). Cytogenetic location: 3q23.
Variant type: single nucleotide variant.
Coding change: c.241C>T on transcript NM_001184.4 (MANE Select); coding-DNA position 241, C replaced by T.
Protein change: p.Leu81Phe; replaces leucine 81 with phenylalanine.
Molecular consequence: missense variant.
Genome position (GRCh38, 1-based): chr3:142,566,172, G>A on the plus strand (C>T on the coding strand, the complement: ATR is on the minus strand). VCF-style: chr3-142566172-G-A. GRCh37 (hg19) VCF-style: chr3-142285014-G-A.
Other names: c.241C>T, p.Leu81Phe (NM_001354579.2); short protein forms L81F.
Identifiers: ClinVar variation 943897 (VCV000943897.13), dbSNP rs147353060, ClinGen allele CA2650815.